The following is an entry in ClinVar:

NM_198586.3(NHLRC1):c.130C>G (p.Leu44Val)

Gene: NHLRC1 (NHL repeat containing E3 ubiquitin protein ligase 1; minus strand). Cytogenetic location: 6p22.3.
Variant type: single nucleotide variant.
Coding change: c.130C>G on transcript NM_198586.3 (MANE Select); coding-DNA position 130, C replaced by G.
Protein change: p.Leu44Val; replaces leucine 44 with valine.
Molecular consequence: missense variant.
Genome position (GRCh38, 1-based): chr6:18,122,477, G>C on the plus strand (C>G on the coding strand, the complement: NHLRC1 is on the minus strand). VCF-style: chr6-18122477-G-C. GRCh37 (hg19) VCF-style: chr6-18122708-G-C.
Other names: short protein forms L44V.
Identifiers: ClinVar variation 3241989 (VCV003241989.1), dbSNP rs1394079144.

ClinVar aggregate classification (germline): Uncertain significance (1 of 4 stars; one submission).

Conditions:
Myoclonic epilepsy of Lafora 1 (MELF1). Also called: EPM2A-Related Lafora Disease; LAFORA DISEASE 1; Epilepsy, progressive myoclonic 2A (Lafora); EPILEPSY, PROGRESSIVE MYOCLONIC, 2A. Identifiers: MedGen CN377204, MONDO:0958199, OMIM 254780.

Allele frequency attached by ClinVar (database versions not stated): TOPMed below 0.00001.

Submission:

Neuberg Centre For Genomic Medicine, NCGM
Classification: Uncertain significance for Myoclonic epilepsy of Lafora 1. Review status: criteria provided, single submitter. Criteria: ACMG Guidelines, 2015. Collection method: clinical testing. Allele origin: germline. Inheritance: Autosomal recessive inheritance. Affected: yes.
Comment: The observed missense c.130C>G(p.Leu44Val) variant in NHLRC1 gene has not been reported previously as a pathogenic variant nor as a benign variant, to our knowledge. The p.Leu44Val variant is absent in gnomAD Exomes database. This variant has not been submitted to the ClinVar database. The amino acid change p.Leu44Val in NHLRC1 is predicted as conserved by GERP++ and PhyloP across 100 vertebrates. The amino acid Leu at position 44 is changed to a Val changing protein sequence and it might alter its composition and physico-chemical properties. For these reasons, this variant has been classified as Variant of Uncertain Significance (VUS).